The following is an entry in ClinVar:

ClinVar aggregate classification (germline): Uncertain significance. Review status: criteria provided, multiple submitters, no conflicts (2 of 4 stars). 2 submissions from 2 submitters: Uncertain significance (2). Last evaluated 2025-08-29.

Conditions:
Hereditary breast ovarian cancer syndrome. Also called: Hereditary breast and ovarian cancer syndrome (HBOC); Breast and ovarian cancer; Hereditary breast and/or ovarian cancer syndrome; BRCA1- and BRCA2-Associated Hereditary Breast and Ovarian Cancer; Hereditary breast and ovarian cancer syndrome; Hereditary breast and ovarian cancer. Identifiers: Orphanet 145, MedGen C0677776, MeSH D061325, MONDO:0003582. Disease mechanism: loss of function.
Hereditary cancer-predisposing syndrome. Also called: Neoplastic Syndromes, Hereditary; Tumor predisposition; Hereditary neoplastic syndrome; Hereditary Cancer Syndrome. Identifiers: Orphanet 140162, MedGen C0027672, MeSH D009386, MONDO:0015356.

Submissions (2):

Labcorp Genetics (formerly Invitae), Labcorp
Classification: Uncertain significance for Hereditary breast ovarian cancer syndrome. Last evaluated: 2025-08-29. Review status: criteria provided, single submitter. Criteria: Invitae Variant Classification Sherloc (09022015). Collection method: clinical testing. Allele origin: germline.
Comment: This sequence change replaces lysine, which is basic and polar, with glutamic acid, which is acidic and polar, at codon 1028 of the BRCA2 protein (p.Lys1028Glu). This variant is not present in population databases (gnomAD no frequency). This variant has not been reported in the literature in individuals affected with BRCA2-related conditions. ClinVar contains an entry for this variant (Variation ID: 3226142). Invitae Evidence Modeling of protein sequence and biophysical properties (such as structural, functional, and spatial information, amino acid conservation, physicochemical variation, residue mobility, and thermodynamic stability) indicates that this missense variant is not expected to disrupt BRCA2 protein function with a negative predictive value of 95%. In summary, the available evidence is currently insufficient to determine the role of this variant in disease. Therefore, it has been classified as a Variant of Uncertain Significance.

Ambry Genetics
Classification: Uncertain significance for Hereditary cancer-predisposing syndrome. Last evaluated: 2023-12-06. Review status: criteria provided, single submitter. Criteria: Ambry Variant Classification Scheme 2023. Collection method: clinical testing. Allele origin: germline.
Comment: The p.K1028E variant (also known as c.3082A>G), located in coding exon 10 of the BRCA2 gene, results from an A to G substitution at nucleotide position 3082. The lysine at codon 1028 is replaced by glutamic acid, an amino acid with similar properties. This amino acid position is highly conserved in available vertebrate species. In addition, the in silico prediction for this alteration is inconclusive. Since supporting evidence is limited at this time, the clinical significance of this alteration remains unclear.

NM_000059.4(BRCA2):c.3082A>G (p.Lys1028Glu)

Gene: BRCA2 (BRCA2 DNA repair associated; plus strand). Cytogenetic location: 13q13.1.
Variant type: single nucleotide variant.
Coding change: c.3082A>G on transcript NM_000059.4 (MANE Select); coding-DNA position 3082, A replaced by G.
Protein change: p.Lys1028Glu; replaces lysine 1028 with glutamic acid.
Molecular consequence: missense variant. On other transcripts: non-coding transcript variant (1), intron variant (2).
Genome position (GRCh38, 1-based): chr13:32,337,437, A>G. VCF-style: chr13-32337437-A-G. GRCh37 (hg19) VCF-style: chr13-32911574-A-G.
Other names: c.3082A>G, p.Lys1028Glu (NM_001406719.1, NM_001406720.1); c.1909+4050A>G (NM_001406721.1); c.424+6407A>G (NM_001406722.1); short protein forms K1028E.
Identifiers: ClinVar variation 3226142 (VCV003226142.2), dbSNP rs2137493004, ClinGen allele CA387775222.